The following is an entry in ClinVar:

NM_004586.3(RPS6KA3):c.1900G>T (p.Gly634Cys)

Gene: RPS6KA3 (ribosomal protein S6 kinase A3; minus strand). Cytogenetic location: Xp22.12.
Variant type: single nucleotide variant.
Coding change: c.1900G>T on transcript NM_004586.3 (MANE Select); coding-DNA position 1900, G replaced by T.
Protein change: p.Gly634Cys; replaces glycine 634 with cysteine.
Molecular consequence: missense variant.
Genome position (GRCh38, 1-based): chrX:20,161,703, C>A on the plus strand (G>T on the coding strand, the complement: RPS6KA3 is on the minus strand). VCF-style: chrX-20161703-C-A. GRCh37 (hg19) VCF-style: chrX-20179821-C-A.
Other names: short protein forms G634C.
Identifiers: ClinVar variation 493508 (VCV000493508.43), dbSNP rs1555926346, ClinGen allele CA412513558.

ClinVar aggregate classification (germline): Uncertain significance. Review status: criteria provided, multiple submitters, no conflicts (2 of 4 stars). 2 submissions from 2 submitters: Uncertain significance (2). Last evaluated 2025-08-01.

Conditions:
Coffin-Lowry syndrome (CLS). Also called: COFFIN-LOWRY SYNDROME, MILD; Mental retardation with osteocartilaginous abnormalities. Identifiers: Orphanet 192, MedGen C0265252, MONDO:0010561, OMIM 303600.
Intellectual developmental disorder, X-linked 19. Also called: Intellectual disability, X-linked 19. Identifiers: Orphanet 777, MedGen C0796225, MONDO:0010447, OMIM 300844.

Submissions (2):

CeGaT Center for Human Genetics Tuebingen
Classification: Uncertain significance. Last evaluated: 2025-08-01. Review status: criteria provided, single submitter. Criteria: CeGaT Center For Human Genetics Tuebingen Variant Classification Criteria Version 2. Collection method: clinical testing. Allele origin: germline. Affected: yes. Observed: 1 variant allele.
Comment: RPS6KA3: PM2, PP2, BP5

Institute of Human Genetics, Clinical Exome/Genome Diagnostics Group, University Hospital Bonn
Classification: Uncertain significance for Coffin-Lowry syndrome; Intellectual developmental disorder, X-linked 19. Review status: criteria provided, single submitter. Criteria: ACMG Guidelines, 2015. Collection method: clinical testing. Allele origin: germline. Affected: yes.